The following is an entry in ClinVar:

ClinVar aggregate classification (germline): Likely benign. Review status: criteria provided, single submitter (1 of 4 stars). 2 submissions from 2 submitters: Likely benign (1). 1 of the submissions does not count toward it. Last evaluated 2024-09-08.

Conditions:
RAI1-related disorder. Also called: RAI1-related condition.

Allele frequency attached by ClinVar (database versions not stated): gnomAD exomes below 0.00001; gnomAD 0.00001; TOPMed 0.00001.
gnomAD v4.1: 5 of 1,588,066 alleles (0.00031%); highest among the groups gnomAD compares: African/African-American, 0.0054%; no homozygotes.

Submissions (2):

Labcorp Genetics (formerly Invitae), Labcorp
Classification: Likely benign. Last evaluated: 2024-09-08. Review status: criteria provided, single submitter. Criteria: Invitae Variant Classification Sherloc (09022015). Collection method: clinical testing. Allele origin: germline.

PreventionGenetics, part of Exact Sciences
Classification: Likely benign for RAI1-related condition. Last evaluated: 2020-12-15. Review status: no assertion criteria provided. Collection method: clinical testing. Allele origin: germline. Not counted in ClinVar's aggregate classification.
Comment: This variant is classified as likely benign based on ACMG/AMP sequence variant interpretation guidelines (Richards et al. 2015 PMID: 25741868, with internal and published modifications).

NM_030665.4(RAI1):c.3312G>A (p.Lys1104=)

Gene: RAI1 (retinoic acid induced 1; plus strand). Cytogenetic location: 17p11.2.
Variant type: single nucleotide variant.
Coding change: c.3312G>A on transcript NM_030665.4 (MANE Select); coding-DNA position 3312, G replaced by A.
Protein change: p.Lys1104=; no amino-acid change (lysine 1104 retained).
Molecular consequence: synonymous variant.
Genome position (GRCh38, 1-based): chr17:17,796,260, G>A. VCF-style: chr17-17796260-G-A. GRCh37 (hg19) VCF-style: chr17-17699574-G-A.
Identifiers: ClinVar variation 3031219 (VCV003031219.4), dbSNP rs1327045525, ClinGen allele CA498424396.